The following is an entry in ClinVar:

NM_030973.4(MED25):c.569C>T (p.Ala190Val)

Gene: MED25 (mediator complex subunit 25; plus strand). Cytogenetic location: 19q13.33.
Variant type: single nucleotide variant.
Coding change: c.569C>T on transcript NM_030973.4 (MANE Select); coding-DNA position 569, C replaced by T.
Protein change: p.Ala190Val; replaces alanine 190 with valine.
Molecular consequence: missense variant.
Genome position (GRCh38, 1-based): chr19:49,829,829, C>T. VCF-style: chr19-49829829-C-T. GRCh37 (hg19) VCF-style: chr19-50333086-C-T.
Other names: c.569C>T, p.Ala190Val (NM_001378355.1); short protein forms A190V.
Identifiers: ClinVar variation 543225 (VCV000543225.11), dbSNP rs780526739, ClinGen allele CA9584916.

ClinVar aggregate classification (germline): Uncertain significance. Review status: criteria provided, multiple submitters, no conflicts (2 of 4 stars). 2 submissions from 2 submitters: Uncertain significance (2). Last evaluated 2023-12-19.

Conditions:
Charcot-Marie-Tooth disease type 2. Also called: Charcot-Marie-Tooth type 2. Identifiers: Orphanet 64746, MedGen C0270914, MONDO:0018993.
Inborn genetic diseases. Identifiers: MedGen C0950123, MeSH D030342.

Allele frequency attached by ClinVar (database versions not stated): ExAC 0.00003; gnomAD exomes 0.00001 and 0.00002.
gnomAD v4.1: 10 of 1,608,538 alleles (0.00062%); highest among the groups gnomAD compares: East Asian, 0.0022%; no homozygotes.

Submissions (2):

Ambry Genetics
Classification: Uncertain significance for Inborn genetic diseases. Last evaluated: 2023-12-19. Review status: criteria provided, single submitter. Criteria: Ambry Variant Classification Scheme 2023. Collection method: clinical testing. Allele origin: germline.

Labcorp Genetics (formerly Invitae), Labcorp
Classification: Uncertain significance for Charcot-Marie-Tooth disease type 2. Last evaluated: 2022-09-01. Review status: criteria provided, single submitter. Criteria: Invitae Variant Classification Sherloc (09022015). Collection method: clinical testing. Allele origin: germline.
Comment: In summary, the available evidence is currently insufficient to determine the role of this variant in disease. Therefore, it has been classified as a Variant of Uncertain Significance. Algorithms developed to predict the effect of missense changes on protein structure and function are either unavailable or do not agree on the potential impact of this missense change (SIFT: "Deleterious"; PolyPhen-2: "Probably Damaging"; Align-GVGD: "Class C0"). ClinVar contains an entry for this variant (Variation ID: 543225). This variant has not been reported in the literature in individuals affected with MED25-related conditions. This variant is present in population databases (rs780526739, gnomAD 0.007%). This sequence change replaces alanine, which is neutral and non-polar, with valine, which is neutral and non-polar, at codon 190 of the MED25 protein (p.Ala190Val).